The following is an entry in ClinVar:

NM_001271938.2(MEGF8):c.615C>T (p.His205=)

Gene: MEGF8 (multiple EGF like domains 8; plus strand). Cytogenetic location: 19q13.2.
Variant type: single nucleotide variant.
Coding change: c.615C>T on transcript NM_001271938.2 (MANE Select); coding-DNA position 615, C replaced by T.
Protein change: p.His205=; no amino-acid change (histidine 205 retained).
Molecular consequence: synonymous variant.
Genome position (GRCh38, 1-based): chr19:42,335,091, C>T. VCF-style: chr19-42335091-C-T. GRCh37 (hg19) VCF-style: chr19-42839243-C-T.
Other names: c.615C>T, p.His205= (NM_001410.3).
Identifiers: ClinVar variation 4874535 (VCV004874535.2).

ClinVar aggregate classification (germline): Likely benign (1 of 4 stars; one submission).

gnomAD v4.1: 2 of 1,613,978 alleles (0.00012%); highest among the groups gnomAD compares: Non-Finnish European, 0.00017%; no homozygotes.

Submission:

CeGaT Center for Human Genetics Tuebingen
Classification: Likely benign. Last evaluated: 2026-04-01. Review status: criteria provided, single submitter. Criteria: CeGaT Center For Human Genetics Tuebingen Variant Classification Criteria Version 2. Collection method: clinical testing. Allele origin: germline. Affected: yes. Observed: 1 variant allele.
Comment: MEGF8: BP4, BP7